The following is an entry in ClinVar:

NC_000001.11:g.(?_63428723)_(63429136_?)del

Gene: ALG6 (ALG6 alpha-1,3-glucosyltransferase; plus strand). Cytogenetic location: 1p31.3.
Variant type: Deletion.
Identifiers: ClinVar variation 830956 (VCV000830956.5).

ClinVar aggregate classification (germline): Pathogenic (1 of 4 stars; one submission).

Conditions:
ALG6-congenital disorder of glycosylation 1C (CDG1C). Also called: CDG Ic; CARBOHYDRATE-DEFICIENT GLYCOPROTEIN SYNDROME, TYPE I, WITH DEFICIENT GLYCOSYLATION OF DOLICHOL-LINKED OLIGOSACCHARIDE; CARBOHYDRATE-DEFICIENT GLYCOPROTEIN SYNDROME, TYPE V; Congenital disorder of glycosylation type 1C; Congenital disorder of glycosylation, type Ic. Identifiers: Orphanet 79320, MedGen C2930997, MONDO:0011291, OMIM 603147.

Submission:

Labcorp Genetics (formerly Invitae), Labcorp
Classification: Pathogenic for ALG6-congenital disorder of glycosylation 1C. Last evaluated: 2021-08-24. Review status: criteria provided, single submitter. Criteria: Invitae Variant Classification Sherloc (09022015). Collection method: clinical testing. Allele origin: germline.
Comment: This variant is a gross deletion of the genomic region encompassing exon(s) 13-14 of the ALG6 gene. While this deletion is not anticipated to lead to nonsense mediated decay, it is expected to disrupt the C-terminus of the protein. This variant has not been reported in the literature in individuals affected with ALG6-related conditions. This variant disrupts a region of the ALG6 protein in which other variant(s) (p.Val447Serfs*44) have been determined to be pathogenic (PMID: 23430515, 27287710; Invitae). This suggests that this is a clinically significant region of the protein, and that variants that disrupt it are likely to be disease-causing. For these reasons, this variant has been classified as Pathogenic.

Literature cited by the submitters: PubMed 23430515; PubMed 27287710.